The following is an entry in ClinVar:

ClinVar aggregate classification (germline): Uncertain significance (1 of 4 stars; one submission).

Conditions:
Epidermolysis bullosa simplex 5B, with muscular dystrophy (EBS5B). Also called: EPIDERMOLYSIS BULLOSA SIMPLEX AND LIMB-GIRDLE MUSCULAR DYSTROPHY; Epidermolysis bullosa simplex with muscular dystrophy. Identifiers: Orphanet 257, MedGen C2931072, MONDO:0009181, OMIM 226670.
Autosomal recessive limb-girdle muscular dystrophy type 2Q (LGMDR17). Also called: MUSCULAR DYSTROPHY, LIMB-GIRDLE, AUTOSOMAL RECESSIVE 17. Identifiers: Orphanet 254361, MedGen C3150989, MONDO:0013390, OMIM 613723.
Epidermolysis bullosa simplex, Ogna type (EBS5A). Also called: Pidermolysis bullosa simplex 5A, Ogna type; EPIDERMOLYSIS BULLOSA SIMPLEX 5A, OGNA TYPE. Identifiers: Orphanet 79401, MedGen C0432317, MONDO:0007555, OMIM 131950.
Epidermolysis bullosa simplex 5C, with pyloric atresia (EBS5C). Also called: PLEC-Related Epidermolysis Bullosa with Pyloric Atresia; Epidermolysis bullosa simplex with pyloric atresia; PLEC1-Related Epidermolysis Bullosa with Pyloric Atresia. Identifiers: Orphanet 158684, MedGen C2677349, MONDO:0012807, OMIM 612138.
Epidermolysis bullosa simplex with nail dystrophy (EBS5D). Identifiers: MedGen C4225309, MONDO:0014661, OMIM 616487.

Allele frequency attached by ClinVar (database versions not stated): gnomAD exomes below 0.00001.
gnomAD v4.1: 2 of 1,605,622 alleles (0.00012%); no homozygotes.

Submission:

Labcorp Genetics (formerly Invitae), Labcorp
Classification: Uncertain significance for Autosomal recessive limb-girdle muscular dystrophy type 2Q; Epidermolysis bullosa simplex, Ogna type; Epidermolysis bullosa simplex with nail dystrophy; Epidermolysis bullosa simplex 5C, with pyloric atresia; Epidermolysis bullosa simplex 5B, with muscular dystrophy. Last evaluated: 2022-02-09. Review status: criteria provided, single submitter. Criteria: Invitae Variant Classification Sherloc (09022015). Collection method: clinical testing. Allele origin: germline.
Comment: This sequence change replaces alanine, which is neutral and non-polar, with glycine, which is neutral and non-polar, at codon 2541 of the PLEC protein (p.Ala2541Gly). This variant is present in population databases (no rsID available, gnomAD 0.01%). This variant has not been reported in the literature in individuals affected with PLEC-related conditions. Algorithms developed to predict the effect of missense changes on protein structure and function are either unavailable or do not agree on the potential impact of this missense change (SIFT: "Tolerated"; PolyPhen-2: "Possibly Damaging"; Align-GVGD: "Class C0"). In summary, the available evidence is currently insufficient to determine the role of this variant in disease. Therefore, it has been classified as a Variant of Uncertain Significance.

NM_201384.3(PLEC):c.7541C>G (p.Ala2514Gly)

Gene: PLEC (plectin; minus strand). Cytogenetic location: 8q24.3.
Variant type: single nucleotide variant.
Coding change: c.7541C>G on transcript NM_201384.3 (MANE Select); coding-DNA position 7541, C replaced by G.
Protein change: p.Ala2514Gly; replaces alanine 2514 with glycine.
Molecular consequence: missense variant.
Genome position (GRCh38, 1-based): chr8:143,922,280, G>C on the plus strand (C>G on the coding strand, the complement: PLEC is on the minus strand). VCF-style: chr8-143922280-G-C. GRCh37 (hg19) VCF-style: chr8-144996448-G-C.
Other names: c.7622C>G, p.Ala2541Gly (NM_000445.5); c.4241C>G, p.Ala1414Gly (NM_001410941.1); c.7499C>G, p.Ala2500Gly (NM_201378.4); c.7475C>G, p.Ala2492Gly (NM_201379.3); c.7952C>G, p.Ala2651Gly (NM_201380.4); c.7445C>G, p.Ala2482Gly (NM_201381.3); c.7541C>G, p.Ala2514Gly (NM_201382.4); c.7553C>G, p.Ala2518Gly (NM_201383.3); short protein forms A1414G, A2651G, A2482G, A2500G, A2518G, A2514G, A2541G, A2492G.
Identifiers: ClinVar variation 2171603 (VCV002171603.4), dbSNP rs1554689167, ClinGen allele CA372524599.